The following is an entry in ClinVar:

ClinVar aggregate classification (germline): Uncertain significance. Review status: criteria provided, multiple submitters, no conflicts (2 of 4 stars). 2 submissions from 2 submitters: Uncertain significance (2). Last evaluated 2025-06-18.

Conditions:
Inborn genetic diseases. Identifiers: MedGen C0950123, MeSH D030342.

Submissions (2):

Dasa
Classification: Uncertain significance. Last evaluated: 2025-06-18. Review status: criteria provided, single submitter. Criteria: DASA Assertion Criteria. Collection method: clinical testing. Allele origin: germline.
Comment: NM_004629.2(FANCG):c.844C>A (p.Pro282Thr) is a missense variant that results in the substitution of proline with threonine. This variant is rare in population databases. Computational prediction algorithms are consistent with a benign effect. The currently available literature and clinical evidence are not sufficient to establish a definitive association between this variant and the reported condition. Therefore, this variant is classified as a variant of uncertain significance.

Ambry Genetics
Classification: Uncertain significance for Inborn genetic diseases. Last evaluated: 2024-11-25. Review status: criteria provided, single submitter. Criteria: Ambry Variant Classification Scheme 2023. Collection method: clinical testing. Allele origin: germline.
Comment: The p.P282T variant (also known as c.844C>A), located in coding exon 7 of the FANCG gene, results from a C to A substitution at nucleotide position 844. The proline at codon 282 is replaced by threonine, an amino acid with highly similar properties. This amino acid position is conserved. In addition, this alteration is predicted to be tolerated by in silico analysis. Based on the available evidence, the clinical significance of this variant remains unclear.

NM_004629.2(FANCG):c.844C>A (p.Pro282Thr)

Gene: FANCG (FA complementation group G; minus strand). Cytogenetic location: 9p13.3.
Variant type: single nucleotide variant.
Coding change: c.844C>A on transcript NM_004629.2 (MANE Select); coding-DNA position 844, C replaced by A.
Protein change: p.Pro282Thr; replaces proline 282 with threonine.
Molecular consequence: missense variant.
Genome position (GRCh38, 1-based): chr9:35,076,804, G>T on the plus strand (C>A on the coding strand, the complement: FANCG is on the minus strand). VCF-style: chr9-35076804-G-T. GRCh37 (hg19) VCF-style: chr9-35076801-G-T.
Other names: short protein forms P282T.
Identifiers: ClinVar variation 3512842 (VCV003512842.3).